The following is an entry in ClinVar:

ClinVar aggregate classification (germline): Uncertain significance (1 of 4 stars; one submission).

Submission:

GeneDx
Classification: Uncertain significance. Last evaluated: 2024-09-01. Review status: criteria provided, single submitter. Criteria: GeneDx Variant Classification Process June 2021. Collection method: clinical testing. Allele origin: germline. Affected: yes.
Comment: Not observed at significant frequency in large population cohorts (gnomAD); Canonical splice site variant in a gene or region of a gene for which loss of function is not a well-established mechanism of disease; Has not been previously published as pathogenic or benign to our knowledge

NM_012154.5(AGO2):c.1404-2A>G

Gene: AGO2 (argonaute RISC catalytic component 2; minus strand). Cytogenetic location: 8q24.3.
Variant type: single nucleotide variant.
Coding change: c.1404-2A>G on transcript NM_012154.5 (MANE Select); the canonical splice acceptor site of the intron before coding-DNA position 1404, A replaced by G.
Molecular consequence: splice acceptor variant.
Genome position (GRCh38, 1-based): chr8:140,549,300, T>C on the plus strand (A>G on the coding strand, the complement: AGO2 is on the minus strand). VCF-style: chr8-140549300-T-C. GRCh37 (hg19) VCF-style: chr8-141559399-T-C.
Other names: c.1404-2A>G (NM_001164623.3).
Identifiers: ClinVar variation 3765979 (VCV003765979.1).